The following is an entry in ClinVar:

ClinVar aggregate classification (germline): Likely benign. Review status: criteria provided, multiple submitters, no conflicts (2 of 4 stars). 4 submissions from 4 submitters: Likely benign (4). Last evaluated 2026-05-21.

Conditions:
Hypertrophic cardiomyopathy 26. Also called: Cardiomyopathy, familial hypertrophic, 26. Identifiers: Orphanet 75249, MedGen C4310749, MONDO:0014883, OMIM 617047.
Distal myopathy with posterior leg and anterior hand involvement. Also called: WILLIAMS DISTAL MYOPATHY. Identifiers: Orphanet 63273, MedGen C3279722, MONDO:0013550, OMIM 614065.
Myofibrillar myopathy 5. Also called: Filaminopathy (type); FILAMINOPATHY, AUTOSOMAL DOMINANT. Identifiers: Orphanet 171445, MedGen C1836050, MONDO:0012289, OMIM 609524.
Cardiovascular phenotype. Identifiers: MedGen CN230736.
FLNC-related disorder. Also called: FLNC-related disorders; FLNC-related condition.

Allele frequency attached by ClinVar (database versions not stated): gnomAD 0.00002 and 0.00004; ExAC 0.00004; TOPMed 0.00005; 1000 Genomes Project 30x 0.00062; 1000 Genomes Project 0.00080.
gnomAD v4.1: 27 of 1,614,144 alleles (0.0017%); highest among the groups gnomAD compares: Admixed American, 0.018%; 1 homozygote.

Submissions (4):

PreventionGenetics, part of Exact Sciences
Classification: Likely benign for FLNC-related condition. Last evaluated: 2026-05-21. Review status: criteria provided, single submitter. Criteria: ACMG Guidelines, 2015. Collection method: clinical testing. Allele origin: germline.
Comment: This variant is classified as likely benign based on ACMG/AMP sequence variant interpretation guidelines (Richards et al. 2015 PMID: 25741868, with internal and published modifications).

Labcorp Genetics (formerly Invitae), Labcorp
Classification: Likely benign for Distal myopathy with posterior leg and anterior hand involvement; Myofibrillar myopathy 5; Hypertrophic cardiomyopathy 26. Last evaluated: 2025-12-20. Review status: criteria provided, single submitter. Criteria: Invitae Variant Classification Sherloc (09022015). Collection method: clinical testing. Allele origin: germline.

Ambry Genetics
Classification: Likely benign for Cardiovascular phenotype. Last evaluated: 2022-01-19. Review status: criteria provided, single submitter. Criteria: Ambry Variant Classification Scheme 2023. Collection method: clinical testing. Allele origin: germline.

Breakthrough Genomics
Classification: Likely benign. Review status: criteria provided, single submitter. Criteria: ACMG Guidelines, 2015. Collection method: not provided. Allele origin: germline. Inheritance: Autosomal dominant inheritance. Affected: yes.

NM_001458.5(FLNC):c.5160C>T (p.Phe1720=)

Gene: FLNC (filamin C; plus strand). Cytogenetic location: 7q32.1.
Variant type: single nucleotide variant.
Coding change: c.5160C>T on transcript NM_001458.5 (MANE Select); coding-DNA position 5160, C replaced by T.
Protein change: p.Phe1720=; no amino-acid change (phenylalanine 1720 retained).
Molecular consequence: synonymous variant.
Genome position (GRCh38, 1-based): chr7:128,849,539, C>T. VCF-style: chr7-128849539-C-T. GRCh37 (hg19) VCF-style: chr7-128489593-C-T.
Other names: c.5160C>T, p.Phe1720= (NM_001127487.2).
Identifiers: ClinVar variation 539488 (VCV000539488.13), dbSNP rs562101000, ClinGen allele CA4475571.